The following is an entry in ClinVar:

ClinVar aggregate classification (germline): Benign (0 of 4 stars; one submission).

Conditions:
CFAP57-related disorder. Also called: CFAP57-related condition.

Submission:

PreventionGenetics, part of Exact Sciences
Classification: Benign for CFAP57-related condition. Last evaluated: 2019-06-20. Review status: no assertion criteria provided. Collection method: clinical testing. Allele origin: germline.
Comment: This variant is classified as benign based on ACMG/AMP sequence variant interpretation guidelines (Richards et al. 2015 PMID: 25741868, with internal and published modifications).

NM_001378189.1(CFAP57):c.2548_2549insCCA (p.Val849_Arg850insThr)

Genes: CFAP57 (cilia and flagella associated protein 57; plus strand), EBNA1BP2 (EBNA1 binding protein 2; minus strand), LOC105378685 (uncharacterized LOC105378685; minus strand). Cytogenetic location: 1p34.2.
Variant type: Insertion.
Coding change: c.2548_2549insCCA on transcript NM_001378189.1 (MANE Select); coding-DNA positions 2548 to 2549, CCA inserted.
Protein change: p.Val849_Arg850insThr.
Genome position: GRCh38 VCF-style: chr1-43222837-T-TCAC. GRCh37 (hg19) VCF-style: chr1-43688508-T-TCAC.
Other names: c.2548_2549insCCA, p.Val849_Arg850insThr (NM_001195831.3).
Identifiers: ClinVar variation 3060837 (VCV003060837.2), dbSNP rs549638533, ClinGen allele CA804907.
Genomic context (GRCh38, chr1:43,222,837, plus strand): 5'-TGTGAGTCCCTTCTCCCCTGACCACACGCCCACTCTCTCTGAGCCAGGCACAGGAAGACG[T>TCAC]CAGGCAGCAGCTGCGGGAGTTTGAAGAGACCAAGAAGCAGATTGAGGAAGATGAAGACCG-3'